The following is an entry in ClinVar:

NM_014915.3(ANKRD26):c.584T>C (p.Val195Ala)

Gene: ANKRD26 (ankyrin repeat domain 26; minus strand). Cytogenetic location: 10p12.1.
Variant type: single nucleotide variant.
Coding change: c.584T>C on transcript NM_014915.3 (MANE Select); coding-DNA position 584, T replaced by C.
Protein change: p.Val195Ala; replaces valine 195 with alanine.
Molecular consequence: missense variant.
Genome position (GRCh38, 1-based): chr10:27,092,460, A>G on the plus strand (T>C on the coding strand, the complement: ANKRD26 is on the minus strand). VCF-style: chr10-27092460-A-G. GRCh37 (hg19) VCF-style: chr10-27381389-A-G.
Other names: c.584T>C, p.Val195Ala (NM_001256053.2); short protein forms V195A.
Identifiers: ClinVar variation 2499686 (VCV002499686.9), dbSNP rs749051822, ClinGen allele CA5448884.

ClinVar aggregate classification (germline): Uncertain significance. Review status: criteria provided, multiple submitters, no conflicts (2 of 4 stars). 5 submissions from 5 submitters: Uncertain significance (5). Last evaluated 2025-05-17.

Conditions:
Inborn genetic diseases. Identifiers: MedGen C0950123, MeSH D030342.
ANKRD26-related disorder. Also called: ANKRD26-related condition.

Allele frequency attached by ClinVar (database versions not stated): gnomAD exomes 0.00001; ExAC 0.00002; TOPMed 0.00004; gnomAD 0.00005; 1000 Genomes Project 30x 0.00031.
gnomAD v4.1: 22 of 1,613,740 alleles (0.0014%); highest among the groups gnomAD compares: African/African-American, 0.028%; no homozygotes.

Submissions (5):

Labcorp Genetics (formerly Invitae), Labcorp
Classification: Uncertain significance. Last evaluated: 2025-05-17. Review status: criteria provided, single submitter. Criteria: Invitae Variant Classification Sherloc (09022015). Collection method: clinical testing. Allele origin: germline.
Comment: This sequence change replaces valine, which is neutral and non-polar, with alanine, which is neutral and non-polar, at codon 195 of the ANKRD26 protein (p.Val195Ala). This variant is present in population databases (rs749051822, gnomAD 0.03%). This variant has not been reported in the literature in individuals affected with ANKRD26-related conditions. ClinVar contains an entry for this variant (Variation ID: 2499686). An algorithm developed to predict the effect of missense changes on protein structure and function outputs the following: PolyPhen-2: "Benign". The alanine amino acid residue is found in multiple mammalian species, which suggests that this missense change does not adversely affect protein function. In summary, the available evidence is currently insufficient to determine the role of this variant in disease. Therefore, it has been classified as a Variant of Uncertain Significance.

Women's Health and Genetics/Laboratory Corporation of America, LabCorp
Classification: Uncertain significance. Last evaluated: 2025-04-16. Review status: criteria provided, single submitter. Criteria: LabCorp Variant Classification Summary - May 2015. Collection method: clinical testing. Allele origin: germline.
Comment: Variant summary: ANKRD26 c.584T>C (p.Val195Ala) results in a non-conservative amino acid change in the encoded protein sequence. Three of five in-silico tools predict a benign effect of the variant on protein function. The variant allele was found at a frequency of 1.6e-05 in 249144 control chromosomes (gnomAD). The available data on variant occurrences in the general population are insufficient to allow any conclusion about variant significance. To our knowledge, no occurrence of c.584T>C in individuals affected with Thrombocytopenia 2 and no experimental evidence demonstrating its impact on protein function have been reported. ClinVar contains an entry for this variant (Variation ID: 2499686). Based on the evidence outlined above, the variant was classified as uncertain significance.

Ambry Genetics
Classification: Uncertain significance for Inborn genetic diseases. Last evaluated: 2024-12-12. Review status: criteria provided, single submitter. Criteria: Ambry Variant Classification Scheme 2023. Collection method: clinical testing. Allele origin: germline.

GeneDx
Classification: Uncertain significance. Last evaluated: 2023-10-03. Review status: criteria provided, single submitter. Criteria: GeneDx Variant Classification Process June 2021. Collection method: clinical testing. Allele origin: germline.
Comment: In silico analysis supports that this missense variant does not alter protein structure/function; Has not been previously published as pathogenic or benign to our knowledge

PreventionGenetics, part of Exact Sciences
Classification: Uncertain significance for ANKRD26-related condition. Last evaluated: 2022-11-21. Review status: criteria provided, single submitter. Criteria: ACMG Guidelines, 2015. Collection method: clinical testing. Allele origin: germline.
Comment: The ANKRD26 c.584T>C variant is predicted to result in the amino acid substitution p.Val195Ala. To our knowledge, this variant has not been reported in the literature. This variant is reported in 0.029% of alleles in individuals of African descent in gnomAD. At this time, the clinical significance of this variant is uncertain due to the absence of conclusive functional and genetic evidence.